The following is an entry in ClinVar:

ClinVar aggregate classification (germline): Uncertain significance. Review status: criteria provided, multiple submitters, no conflicts (2 of 4 stars). 4 submissions from 4 submitters: Uncertain significance (4). Last evaluated 2026-01-12.

Conditions:
Potassium-aggravated myotonia. Also called: MYOTONIA CONGENITA, ACETAZOLAMIDE-RESPONSIVE; MYOTONIA CONGENITA, ATYPICAL; SODIUM CHANNEL MUSCLE DISEASE; Myotonia congenita, atypical, acetazolamide-responsive. Identifiers: Orphanet 612, Orphanet 99734, Orphanet 99735, Orphanet 99736, MedGen C2931826, MONDO:0018959, OMIM 608390.
Hypokalemic periodic paralysis, type 2 (HOKPP2). Identifiers: Orphanet 681, MedGen C2750061, MONDO:0013234, OMIM 613345.
Paramyotonia congenita of Von Eulenburg. Also called: PARALYSIS PERIODICA PARAMYOTONICA; Paramyotonia Congenita; Eulenburg disease; Myotonia congenita intermittens; Von Eulenburg paramyotonia congenita. Identifiers: Orphanet 684, MedGen C0221055, MONDO:0008195, OMIM 168300. Disease mechanism: loss of function.
Hyperkalemic periodic paralysis. Also called: Familial hyperkalemic periodic paralysis; Gamstorp disease. Identifiers: Orphanet 682, MedGen C0238357, MONDO:0008224, OMIM 170500, HP:0007215.
Congenital myasthenic syndrome 16. Identifiers: Orphanet 590, MedGen C3280112, MONDO:0013620, OMIM 614198.
Congenital myopathy 22A, classic (CMYO22A). Identifiers: MedGen C5830453, MONDO:0957247, OMIM 620351.
Congenital myopathy 22B, severe fetal (CMYO22B). Identifiers: MedGen C5830501, MONDO:0957265, OMIM 620369.

Allele frequency attached by ClinVar (database versions not stated): gnomAD exomes 0.00006 and 0.00004; ExAC 0.00007; gnomAD 0.00001; TOPMed 0.00002.
gnomAD v4.1: 54 of 1,613,802 alleles (0.0033%); highest among the groups gnomAD compares: Admixed American, 0.018%; no homozygotes.

Submissions (4):

Labcorp Genetics (formerly Invitae), Labcorp
Classification: Uncertain significance for Hyperkalemic periodic paralysis. Last evaluated: 2026-01-12. Review status: criteria provided, single submitter. Criteria: Invitae Variant Classification Sherloc (09022015). Collection method: clinical testing. Allele origin: germline.
Comment: This sequence change replaces glycine, which is neutral and non-polar, with aspartic acid, which is acidic and polar, at codon 898 of the SCN4A protein (p.Gly898Asp). This variant is present in population databases (rs760713282, gnomAD 0.02%). This variant has not been reported in the literature in individuals affected with SCN4A-related conditions. ClinVar contains an entry for this variant (Variation ID: 657127). Invitae Evidence Modeling of protein sequence and biophysical properties (such as structural, functional, and spatial information, amino acid conservation, physicochemical variation, residue mobility, and thermodynamic stability) indicates that this missense variant is not expected to disrupt SCN4A protein function with a negative predictive value of 95%. In summary, the available evidence is currently insufficient to determine the role of this variant in disease. Therefore, it has been classified as a Variant of Uncertain Significance.

GeneDx
Classification: Uncertain significance. Last evaluated: 2025-10-31. Review status: criteria provided, single submitter. Criteria: GeneDx Variant Classification Process June 2021. Collection method: clinical testing. Allele origin: germline. Affected: yes.
Comment: In silico analysis suggests that this missense variant does not alter protein structure/function; Has not been previously published as pathogenic or benign to our knowledge

Fulgent Genetics
Classification: Uncertain significance for Paramyotonia congenita of Von Eulenburg; Hyperkalemic periodic paralysis; Potassium-aggravated myotonia; Hypokalemic periodic paralysis, type 2; Congenital myasthenic syndrome 16; Congenital myopathy 22A, classic; Congenital myopathy 22B, severe fetal. Last evaluated: 2024-05-02. Review status: criteria provided, single submitter. Criteria: ACMG Guidelines, 2015. Collection method: clinical testing. Allele origin: germline.

Revvity Omics, Revvity
Classification: Uncertain significance. Last evaluated: 2023-08-04. Review status: criteria provided, single submitter. Criteria: ACMG Guidelines, 2015. Collection method: clinical testing. Allele origin: germline.

NM_000334.4(SCN4A):c.2693G>A (p.Gly898Asp)

Genes: GH-LCR (growth hormone locus control region; plus strand), SCN4A (sodium voltage-gated channel alpha subunit 4; minus strand). Cytogenetic location: 17q23.3.
Variant type: single nucleotide variant.
Coding change: c.2693G>A on transcript NM_000334.4 (MANE Select); coding-DNA position 2693, G replaced by A.
Protein change: p.Gly898Asp; replaces glycine 898 with aspartic acid.
Molecular consequence: missense variant.
Genome position (GRCh38, 1-based): chr17:63,951,584, C>T on the plus strand (G>A on the coding strand, the complement: SCN4A is on the minus strand). VCF-style: chr17-63951584-C-T. GRCh37 (hg19) VCF-style: chr17-62028944-C-T.
Other names: short protein forms G898D.
Identifiers: ClinVar variation 657127 (VCV000657127.18), dbSNP rs760713282, ClinGen allele CA8709523.
Genomic context (GRCh38, chr17:63,951,584, plus strand): 5'-GGGTTGTTGATGAAGTTAAGGTGGTCCAGCTCGAGGCTGGATGGGGGGCCGTCAGCCAGG[C>T]CCATGTGGTTCAGGATGTGATTGTCCTTCTTCAGGTCCTCCTCGGGCGGCTCCTTCTTCT-3'
Protein context (NP_000325.4, residues 888-908): KKDNHILNHM[Gly898Asp]LADGPPSSLE